The following is an entry in ClinVar:

ClinVar aggregate classification (germline): Likely benign (0 of 4 stars; one submission).

Conditions:
SEMA3C-related disorder. Also called: SEMA3C-related condition.

gnomAD v4.1: 37 of 1,608,144 alleles (0.0023%); highest among the groups gnomAD compares: Non-Finnish European, 0.0031%; no homozygotes.

Submission:

PreventionGenetics, part of Exact Sciences
Classification: Likely benign for SEMA3C-related condition. Last evaluated: 2022-09-21. Review status: no assertion criteria provided. Collection method: clinical testing. Allele origin: germline.
Comment: This variant is classified as likely benign based on ACMG/AMP sequence variant interpretation guidelines (Richards et al. 2015 PMID: 25741868, with internal and published modifications).

NM_006379.5(SEMA3C):c.448-7A>C

Gene: SEMA3C (semaphorin 3C; minus strand). Cytogenetic location: 7q21.11.
Variant type: single nucleotide variant.
Coding change: c.448-7A>C on transcript NM_006379.5 (MANE Select); 7 bases into the intron before coding-DNA position 448, A replaced by C.
Molecular consequence: intron variant.
Genome position (GRCh38, 1-based): chr7:80,810,708, T>G on the plus strand (A>C on the coding strand, the complement: SEMA3C is on the minus strand). VCF-style: chr7-80810708-T-G. GRCh37 (hg19) VCF-style: chr7-80440024-T-G.
Other names: c.502-7A>C (NM_001350120.2); c.274-7A>C (NM_001350121.2).
Identifiers: ClinVar variation 3355187 (VCV003355187.1).